The following is an entry in ClinVar:

ClinVar aggregate classification (germline): Uncertain significance. Review status: criteria provided, multiple submitters, no conflicts (2 of 4 stars). 2 submissions from 2 submitters: Uncertain significance (2). Last evaluated 2023-12-06.

Allele frequency attached by ClinVar (database versions not stated): gnomAD 0.00003; TOPMed 0.00004; gnomAD exomes 0.00005.

Submissions (2):

Labcorp Genetics (formerly Invitae), Labcorp
Classification: Uncertain significance. Last evaluated: 2023-12-06. Review status: criteria provided, single submitter. Criteria: Invitae Variant Classification Sherloc (09022015). Collection method: clinical testing. Allele origin: germline.
Comment: This sequence change replaces aspartic acid, which is acidic and polar, with asparagine, which is neutral and polar, at codon 870 of the CTDP1 protein (p.Asp870Asn). This variant is present in population databases (no rsID available, gnomAD 0.005%). This variant has not been reported in the literature in individuals affected with CTDP1-related conditions. ClinVar contains an entry for this variant (Variation ID: 1959627). An algorithm developed to predict the effect of missense changes on protein structure and function (PolyPhen-2) suggests that this variant is likely to be disruptive. In summary, the available evidence is currently insufficient to determine the role of this variant in disease. Therefore, it has been classified as a Variant of Uncertain Significance.

Ambry Genetics
Classification: Uncertain significance. Last evaluated: 2023-09-26. Review status: criteria provided, single submitter. Criteria: Ambry Variant Classification Scheme 2023. Collection method: clinical testing. Allele origin: germline.

NM_004715.5(CTDP1):c.2608G>A (p.Asp870Asn)

Gene: CTDP1 (CTD phosphatase subunit 1; plus strand). Cytogenetic location: 18q23.
Variant type: single nucleotide variant.
Coding change: c.2608G>A on transcript NM_004715.5 (MANE Select); coding-DNA position 2608, G replaced by A.
Protein change: p.Asp870Asn; replaces aspartic acid 870 with asparagine.
Molecular consequence: missense variant. On other transcripts: synonymous variant (1), intron variant (1).
Genome position (GRCh38, 1-based): chr18:79,736,382, G>A. VCF-style: chr18-79736382-G-A. GRCh37 (hg19) VCF-style: chr18-77496382-G-A.
Other names: c.2251G>A, p.Asp751Asn (NM_001202504.1); c.2445G>A, p.Ala815= (NM_048368.4); c.2580+7313G>A (NM_001318511.2); short protein forms D870N, D751N.
Identifiers: ClinVar variation 1959627 (VCV001959627.6), dbSNP rs1034934743, ClinGen allele CA303785640.
Genomic context (GRCh38, chr18:79,736,382, plus strand): 5'-GAGGTCTGTCGCTGACTCTTGGCTGTTTGTCAGGTGGACGACATCCTTGGAGAAGGCAGC[G>A]ACGACAGCGACAGCGAGAAGAGGAGGCCTGAGGAGCAGGAGGAGGAGCCCCAGCCCCGGA-3'
Protein context (NP_004706.3, residues 860-880): EVDDILGEGS[Asp870Asn]DSDSEKRRPE